The following is an entry in ClinVar:

NM_001393504.1(MAST3):c.2582C>T (p.Ser861Phe)

Gene: MAST3 (microtubule associated serine/threonine kinase 3; plus strand). Cytogenetic location: 19p13.11.
Variant type: single nucleotide variant.
Coding change: c.2582C>T on transcript NM_001393504.1 (MANE Select); coding-DNA position 2582, C replaced by T.
Protein change: p.Ser861Phe; replaces serine 861 with phenylalanine.
Molecular consequence: missense variant.
Genome position (GRCh38, 1-based): chr19:18,144,005, C>T. VCF-style: chr19-18144005-C-T. GRCh37 (hg19) VCF-style: chr19-18254815-C-T.
Other names: c.2606C>T, p.Ser869Phe (NM_001393501.1); c.2585C>T, p.Ser862Phe (NM_001393502.1); c.2582C>T, p.Ser861Phe (NM_001393503.1); c.2579C>T, p.Ser860Phe (NM_001393505.1); c.2534C>T, p.Ser845Phe (NM_001393506.1, NM_001393513.1); c.2561C>T, p.Ser854Phe (NM_001393507.1); c.2516C>T, p.Ser839Phe (NM_001393508.1, NM_001393516.1); c.2513C>T, p.Ser838Phe (NM_001393509.1, NM_001393510.1, NM_001393512.1 and 2 more transcripts); and 4 more; short protein forms S823F, S831F, S832F, S837F, S838F, S839F, S845F, S854F.
Identifiers: ClinVar variation 3766364 (VCV003766364.1).

ClinVar aggregate classification (germline): Uncertain significance (1 of 4 stars; one submission).

gnomAD v4.1: 1 of 1,561,098 alleles (0.000064%); no homozygotes.

Submission:

GeneDx
Classification: Uncertain significance. Last evaluated: 2024-08-26. Review status: criteria provided, single submitter. Criteria: GeneDx Variant Classification Process June 2021. Collection method: clinical testing. Allele origin: germline. Affected: yes.
Comment: Not observed at significant frequency in large population cohorts (gnomAD); In silico analysis supports that this missense variant has a deleterious effect on protein structure/function; Has not been previously published as pathogenic or benign to our knowledge